The following is an entry in ClinVar:

ClinVar aggregate classification (germline): Uncertain significance (1 of 4 stars; one submission).

Submission:

Ambry Genetics
Classification: Uncertain significance. Last evaluated: 2024-03-12. Review status: criteria provided, single submitter. Criteria: Ambry Variant Classification Scheme 2023. Collection method: clinical testing. Allele origin: germline.
Comment: The p.P2014S variant (also known as c.6040C>T), located in coding exon 19 of the POLQ gene, results from a C to T substitution at nucleotide position 6040. The proline at codon 2014 is replaced by serine, an amino acid with similar properties. This amino acid position is conserved. In addition, this alteration is predicted to be tolerated by in silico analysis. Based on the available evidence, the clinical significance of this alteration remains unclear.

NM_199420.4(POLQ):c.6040C>T (p.Pro2014Ser)

Gene: POLQ (DNA polymerase theta; minus strand). Cytogenetic location: 3q13.33.
Variant type: single nucleotide variant.
Coding change: c.6040C>T on transcript NM_199420.4 (MANE Select); coding-DNA position 6040, C replaced by T.
Protein change: p.Pro2014Ser; replaces proline 2014 with serine.
Molecular consequence: missense variant.
Genome position (GRCh38, 1-based): chr3:121,481,743, G>A on the plus strand (C>T on the coding strand, the complement: POLQ is on the minus strand). VCF-style: chr3-121481743-G-A. GRCh37 (hg19) VCF-style: chr3-121200590-G-A.
Other names: short protein forms P2014S.
Identifiers: ClinVar variation 3230086 (VCV003230086.1), dbSNP rs2546780463, ClinGen allele CA354088092.